The following is an entry in ClinVar:

NM_022042.4(SLC26A1):c.27G>C (p.Gln9His)

Genes: IDUA (alpha-L-iduronidase; plus strand), SLC26A1 (solute carrier family 26 member 1; minus strand). Cytogenetic location: 4p16.3.
Variant type: single nucleotide variant.
Coding change: c.27G>C on transcript NM_022042.4 (MANE Select); coding-DNA position 27, G replaced by C.
Protein change: p.Gln9His; replaces glutamine 9 with histidine.
Molecular consequence: missense variant. On other transcripts: intron variant (1).
Genome position (GRCh38, 1-based): chr4:991,677, C>G on the plus strand (G>C on the coding strand, the complement: SLC26A1 is on the minus strand). VCF-style: chr4-991677-C-G. GRCh37 (hg19) VCF-style: chr4-985465-C-G.
Other names: c.27G>C, p.Gln9His (NM_134425.4, NM_213613.4); c.299+3728C>G (NM_000203.5); c.27G>C (NM_022042.3); short protein forms Q9H.
Identifiers: ClinVar variation 2381737 (VCV002381737.7), dbSNP rs150233366, ClinGen allele CA2801795.

ClinVar aggregate classification (germline): Uncertain significance. Review status: criteria provided, multiple submitters, no conflicts (2 of 4 stars). 4 submissions from 4 submitters: Uncertain significance (4). Last evaluated 2026-08-31.

Conditions:
Hypersulfaturia (HYSULF). Identifiers: MedGen C5830511, MONDO:0957268, OMIM 620372.
Nephrolithiasis susceptibility caused by SLC26A1 (CAON1). Also called: NEPHROLITHIASIS, CALCIUM OXALATE, 1. Identifiers: MedGen C5779632, MONDO:0020722, OMIM 167030.
SLC26A1-related disorder. Also called: SLC26A1-related condition.
Inborn genetic diseases. Identifiers: MedGen C0950123, MeSH D030342.

Allele frequency attached by ClinVar (database versions not stated): gnomAD exomes 0.00006; ExAC 0.00011; 1000 Genomes Project 30x 0.00016; ESP Exome Variant Server 0.00016; 1000 Genomes Project 0.00020; gnomAD 0.00021; TOPMed 0.00058.
gnomAD v4.1: 142 of 1,534,440 alleles (0.0093%); highest among the groups gnomAD compares: Middle Eastern, 0.087%; no homozygotes.

Submissions (4):

PreventionGenetics, part of Exact Sciences
Classification: Uncertain significance for SLC26A1-related condition. Last evaluated: 2026-08-31. Review status: criteria provided, single submitter. Criteria: ACMG Guidelines, 2015. Collection method: clinical testing. Allele origin: germline.
Comment: The SLC26A1 c.27G>C variant is predicted to result in the amino acid substitution p.Gln9His. To our knowledge, this variant has not been reported in the literature. This variant is reported in 0.018% of alleles in individuals of Latino descent in gnomAD. At this time, the clinical significance of this variant is uncertain due to the absence of conclusive functional and genetic evidence.

Labcorp Genetics (formerly Invitae), Labcorp
Classification: Uncertain significance. Last evaluated: 2025-09-21. Review status: criteria provided, single submitter. Criteria: Invitae Variant Classification Sherloc (09022015). Collection method: clinical testing. Allele origin: germline.
Comment: This sequence change replaces glutamine, which is neutral and polar, with histidine, which is basic and polar, at codon 9 of the SLC26A1 protein (p.Gln9His). This variant is present in population databases (rs150233366, gnomAD 0.02%). This variant has not been reported in the literature in individuals affected with SLC26A1-related conditions. ClinVar contains an entry for this variant (Variation ID: 2381737). An algorithm developed to predict the effect of missense changes on protein structure and function (PolyPhen-2) suggests that this variant is likely to be tolerated. In summary, the available evidence is currently insufficient to determine the role of this variant in disease. Therefore, it has been classified as a Variant of Uncertain Significance.

Fulgent Genetics
Classification: Uncertain significance for Nephrolithiasis susceptibility caused by SLC26A1; Hypersulfaturia. Last evaluated: 2024-02-14. Review status: criteria provided, single submitter. Criteria: ACMG Guidelines, 2015. Collection method: clinical testing. Allele origin: germline.

Ambry Genetics
Classification: Uncertain significance for Inborn genetic diseases. Last evaluated: 2021-09-27. Review status: criteria provided, single submitter. Criteria: Ambry Variant Classification Scheme 2023. Collection method: clinical testing. Allele origin: germline.